The following is an entry in ClinVar:

ClinVar aggregate classification (germline): Likely benign (1 of 4 stars; one submission).

Allele frequency attached by ClinVar (database versions not stated): 1000 Genomes Project 30x 0.00016; 1000 Genomes Project 0.00020.
gnomAD v4.1: 123 of 1,613,960 alleles (0.0076%); highest among the groups gnomAD compares: Middle Eastern, 0.13%; 1 homozygote.

Submission:

CeGaT Center for Human Genetics Tuebingen
Classification: Likely benign. Last evaluated: 2023-06-01. Review status: criteria provided, single submitter. Criteria: CeGaT Center For Human Genetics Tuebingen Variant Classification Criteria Version 2. Collection method: clinical testing. Allele origin: germline. Affected: yes. Observed: 1 variant allele.
Comment: SETD1A: BP4, BP7

NM_014712.3(SETD1A):c.1065G>C (p.Ser355=)

Gene: SETD1A (SET domain containing 1A, histone lysine methyltransferase; plus strand). Cytogenetic location: 16p11.2.
Variant type: single nucleotide variant.
Coding change: c.1065G>C on transcript NM_014712.3 (MANE Select); coding-DNA position 1065, G replaced by C.
Protein change: p.Ser355=; no amino-acid change (serine 355 retained).
Molecular consequence: synonymous variant.
Genome position (GRCh38, 1-based): chr16:30,964,807, G>C. VCF-style: chr16-30964807-G-C. GRCh37 (hg19) VCF-style: chr16-30976128-G-C.
Identifiers: ClinVar variation 2646426 (VCV002646426.24), dbSNP rs139119057, ClinGen allele CA8016596.